The following is an entry in ClinVar:

ClinVar aggregate classification (germline): Pathogenic. Review status: no assertion criteria provided (0 of 4 stars). 2 submissions from 2 submitters: Pathogenic (2). Last evaluated 2023-05-16.

Conditions:
Autoinflammatory disease, systemic, with vasculitis (SAIDV). Also called: LAVLI SYNDROME. Identifiers: MedGen C5830525, MONDO:0957271, OMIM 620376.
LYN kinase associated vasculopathy and liver fibrosis syndrome.

Submissions (2):

OMIM
Classification: Pathogenic for AUTOINFLAMMATORY DISEASE, SYSTEMIC, WITH VASCULITIS. Last evaluated: 2023-05-16. Review status: no assertion criteria provided. Collection method: literature only. Allele origin: germline.

Translational Autoinflammatory Diseases Section, NIAID, NIH
Classification: Pathogenic for LYN kinase associated vasculopathy and liver fibrosis syndrome. Last evaluated: 2022-12-16. Review status: no assertion criteria provided. Collection method: research. Allele origin: de novo. Inheritance: Sporadic. Affected: yes. Observed: 1 variant allele.
Comment: Two other unrelated patients presented with similar clinical phenotypes and de novo variants that also affect Lyn Y508. Functional studies indicate the variant is gain-of-function.

Literature cited by the submitters: de Jesus, A. A., Montealegre, G. A., Freeman, H., Martin, N., Omoyinmi, E., Marrero, B., Calvo, K. R., Lee, C.-C. R., Brundidge, A. D., Kleiner, D., Hewitt, S., Chapelle, D. C., and 11 others Mutations in the tyrosine-protein kinase Lyn cause an early-onset neutrophilic vasculitis syndrome. 2016 ACR/ARHP Annual Meeting Abstract Supplement. Arthritis Rheum. 68 Suppl. 10: 1-4550, 2016. Note: Abstract 2430. (cited by OMIM); PubMed 36932076 (cited by OMIM); PubMed 36122175 (cited by OMIM).

NM_002350.4(LYN):c.1524C>G (p.Tyr508Ter)

Gene: LYN (LYN proto-oncogene, Src family tyrosine kinase; plus strand). Cytogenetic location: 8q12.1.
Variant type: single nucleotide variant.
Coding change: c.1524C>G on transcript NM_002350.4 (MANE Select); coding-DNA position 1524, C replaced by G.
Protein change: p.Tyr508Ter; replaces tyrosine 508 with a stop codon.
Molecular consequence: nonsense.
Genome position (GRCh38, 1-based): chr8:56,010,095, C>G. VCF-style: chr8-56010095-C-G. GRCh37 (hg19) VCF-style: chr8-56922654-C-G.
Other names: c.1461C>G, p.Tyr487Ter (NM_001111097.3); short protein forms Y487*, Y508*.
Identifiers: ClinVar variation 1895417 (VCV001895417.4), dbSNP rs2486900588, ClinGen allele CA371277062.